The following is an entry in ClinVar:

NM_203447.4(DOCK8):c.247C>T (p.Leu83Phe)

Genes: DOCK8 (dedicator of cytokinesis 8; plus strand), LOC126860552 (BRD4-independent group 4 enhancer GRCh37_chr9:285795-286994; plus strand). Cytogenetic location: 9p24.3.
Variant type: single nucleotide variant.
Coding change: c.247C>T on transcript NM_203447.4 (MANE Select); coding-DNA position 247, C replaced by T.
Protein change: p.Leu83Phe; replaces leucine 83 with phenylalanine.
Molecular consequence: missense variant.
Genome position (GRCh38, 1-based): chr9:286,551, C>T. VCF-style: chr9-286551-C-T. GRCh37 (hg19) VCF-style: chr9-286551-C-T.
Other names: c.43C>T, p.Leu15Phe (NM_001190458.2, NM_001193536.2); short protein forms L83F, L15F.
Identifiers: ClinVar variation 2009476 (VCV002009476.5), dbSNP rs759001042, ClinGen allele CA4957142.

ClinVar aggregate classification (germline): Uncertain significance. Review status: criteria provided, multiple submitters, no conflicts (2 of 4 stars). 2 submissions from 2 submitters: Uncertain significance (2). Last evaluated 2026-04-14.

Conditions:
Inborn genetic diseases. Identifiers: MedGen C0950123, MeSH D030342.
Combined immunodeficiency due to DOCK8 deficiency (HIES2). Also called: Hyper-IgE recurrent infection syndrome, autosomal recessive; HYPER-IgE RECURRENT INFECTION SYNDROME 2, AUTOSOMAL RECESSIVE; HIES autosomal recessive; HYPER-IgE SYNDROME 2, AUTOSOMAL RECESSIVE, WITH RECURRENT INFECTIONS; DOCK8 Deficiency. Identifiers: Orphanet 217390, MedGen C4722305, MONDO:0009478, OMIM 243700.

Allele frequency attached by ClinVar (database versions not stated): gnomAD exomes 0.00001; TOPMed below 0.00001; ExAC 0.00001.

Submissions (2):

Ambry Genetics
Classification: Uncertain significance for Inborn genetic diseases. Last evaluated: 2026-04-14. Review status: criteria provided, single submitter. Criteria: Ambry Variant Classification Scheme 2023. Collection method: clinical testing. Allele origin: germline.

Labcorp Genetics (formerly Invitae), Labcorp
Classification: Uncertain significance for Combined immunodeficiency due to DOCK8 deficiency. Last evaluated: 2022-06-22. Review status: criteria provided, single submitter. Criteria: Invitae Variant Classification Sherloc (09022015). Collection method: clinical testing. Allele origin: germline.
Comment: Algorithms developed to predict the effect of missense changes on protein structure and function are either unavailable or do not agree on the potential impact of this missense change (SIFT: "Deleterious"; PolyPhen-2: "Possibly Damaging"; Align-GVGD: "Class C0"). This sequence change replaces leucine, which is neutral and non-polar, with phenylalanine, which is neutral and non-polar, at codon 83 of the DOCK8 protein (p.Leu83Phe). This variant is present in population databases (rs759001042, gnomAD 0.002%). This variant has not been reported in the literature in individuals affected with DOCK8-related conditions. In summary, the available evidence is currently insufficient to determine the role of this variant in disease. Therefore, it has been classified as a Variant of Uncertain Significance.